The following is an entry in ClinVar:

ClinVar aggregate classification (germline): Uncertain significance (1 of 4 stars; one submission).

Allele frequency attached by ClinVar (database versions not stated): gnomAD exomes below 0.00001; TOPMed below 0.00001; ExAC 0.00001.
gnomAD v4.1: 1 of 1,614,214 alleles (0.000062%); highest among the groups gnomAD compares: Non-Finnish European, 0.000085%; no homozygotes.

Submission:

Ambry Genetics
Classification: Uncertain significance. Last evaluated: 2021-12-12. Review status: criteria provided, single submitter. Criteria: Ambry Variant Classification Scheme 2023. Collection method: clinical testing. Allele origin: germline.
Comment: The p.K118T variant (also known as c.353A>C), located in coding exon 1 of the MLH3 gene, results from an A to C substitution at nucleotide position 353. The lysine at codon 118 is replaced by threonine, an amino acid with similar properties. This amino acid position is conserved. In addition, the in silico prediction for this alteration is inconclusive. Since supporting evidence is limited at this time, the clinical significance of this alteration remains unclear.

NM_001040108.2(MLH3):c.353A>C (p.Lys118Thr)

Gene: MLH3 (mutL homolog 3; minus strand). Cytogenetic location: 14q24.3.
Variant type: single nucleotide variant.
Coding change: c.353A>C on transcript NM_001040108.2 (MANE Select); coding-DNA position 353, A replaced by C.
Protein change: p.Lys118Thr; replaces lysine 118 with threonine.
Molecular consequence: missense variant.
Genome position (GRCh38, 1-based): chr14:75,049,303, T>G on the plus strand (A>C on the coding strand, the complement: MLH3 is on the minus strand). VCF-style: chr14-75049303-T-G. GRCh37 (hg19) VCF-style: chr14-75516006-T-G.
Other names: c.353A>C, p.Lys118Thr (NM_014381.3); short protein forms K118T.
Identifiers: ClinVar variation 1732434 (VCV001732434.2), dbSNP rs756880206, ClinGen allele CA7276047.